The following is an entry in ClinVar:

NM_001330360.2(POLA1):c.4333C>G (p.Gln1445Glu)

Gene: POLA1 (DNA polymerase alpha 1, catalytic subunit; plus strand). Cytogenetic location: Xp21.3.
Variant type: single nucleotide variant.
Coding change: c.4333C>G on transcript NM_001330360.2 (MANE Select); coding-DNA position 4333, C replaced by G.
Protein change: p.Gln1445Glu; replaces glutamine 1445 with glutamic acid.
Molecular consequence: missense variant. On other transcripts: non-coding transcript variant (2).
Genome position (GRCh38, 1-based): chrX:24,995,876, C>G. VCF-style: chrX-24995876-C-G. GRCh37 (hg19) VCF-style: chrX-25013993-C-G.
Other names: c.4258C>G, p.Gln1420Glu (NM_001378303.1); c.4315C>G, p.Gln1439Glu (NM_016937.4); short protein forms Q1439E, Q1420E, Q1445E.
Identifiers: ClinVar variation 2996912 (VCV002996912.3), dbSNP rs2048600214, ClinGen allele CA412609590.

ClinVar aggregate classification (germline): Uncertain significance (1 of 4 stars; one submission).

Allele frequency attached by ClinVar (database versions not stated): gnomAD exomes below 0.00001; TOPMed 0.00001.

Submission:

Labcorp Genetics (formerly Invitae), Labcorp
Classification: Uncertain significance. Last evaluated: 2024-10-09. Review status: criteria provided, single submitter. Criteria: Invitae Variant Classification Sherloc (09022015). Collection method: clinical testing. Allele origin: germline.
Comment: This sequence change replaces glutamine, which is neutral and polar, with glutamic acid, which is acidic and polar, at codon 1439 of the POLA1 protein (p.Gln1439Glu). This variant is not present in population databases (gnomAD no frequency). This variant has not been reported in the literature in individuals affected with POLA1-related conditions. Invitae Evidence Modeling of protein sequence and biophysical properties (such as structural, functional, and spatial information, amino acid conservation, physicochemical variation, residue mobility, and thermodynamic stability) indicates that this missense variant is not expected to disrupt POLA1 protein function with a negative predictive value of 80%. In summary, the available evidence is currently insufficient to determine the role of this variant in disease. Therefore, it has been classified as a Variant of Uncertain Significance.